The following is an entry in ClinVar:

ClinVar aggregate classification (germline): Pathogenic (1 of 4 stars; one submission).

Submission:

Labcorp Genetics (formerly Invitae), Labcorp
Classification: Pathogenic. Last evaluated: 2023-08-23. Review status: criteria provided, single submitter. Criteria: Invitae Variant Classification Sherloc (09022015). Collection method: clinical testing. Allele origin: germline.
Comment: For these reasons, this variant has been classified as Pathogenic. Algorithms developed to predict the effect of sequence changes on RNA splicing suggest that this variant may disrupt the consensus splice site. This variant has not been reported in the literature in individuals affected with USH2A-related conditions. This variant is not present in population databases (gnomAD no frequency). This sequence change creates a premature translational stop signal (p.Gln1417*) in the USH2A gene. It is expected to result in an absent or disrupted protein product. Loss-of-function variants in USH2A are known to be pathogenic (PMID: 10729113, 10909849, 20507924, 25649381).

Literature cited by the submitters: PubMed 10729113; PubMed 10909849; PubMed 20507924; PubMed 25649381.

NM_206933.4(USH2A):c.4249C>T (p.Gln1417Ter)

Genes: USH2A (usherin; minus strand), USH2A-AS1 (USH2A antisense RNA 1; plus strand). Cytogenetic location: 1q41.
Variant type: single nucleotide variant.
Coding change: c.4249C>T on transcript NM_206933.4 (MANE Select); coding-DNA position 4249, C replaced by T.
Protein change: p.Gln1417Ter; replaces glutamine 1417 with a stop codon.
Molecular consequence: nonsense.
Genome position (GRCh38, 1-based): chr1:216,196,555, G>A on the plus strand (C>T on the coding strand, the complement: USH2A is on the minus strand). VCF-style: chr1-216196555-G-A. GRCh37 (hg19) VCF-style: chr1-216369897-G-A.
Other names: c.4249C>T, p.Gln1417Ter (NM_007123.6); short protein forms Q1417*.
Identifiers: ClinVar variation 2754586 (VCV002754586.3), dbSNP rs2528035259, ClinGen allele CA344866070.